The following is an entry in ClinVar:

NM_000222.3(KIT):c.98A>G (p.Glu33Gly)

Gene: KIT (KIT proto-oncogene, receptor tyrosine kinase; plus strand). Cytogenetic location: 4q12.
Variant type: single nucleotide variant.
Coding change: c.98A>G on transcript NM_000222.3 (MANE Select); coding-DNA position 98, A replaced by G.
Protein change: p.Glu33Gly; replaces glutamic acid 33 with glycine.
Molecular consequence: missense variant.
Genome position (GRCh38, 1-based): chr4:54,695,542, A>G. VCF-style: chr4-54695542-A-G. GRCh37 (hg19) VCF-style: chr4-55561708-A-G.
Other names: c.98A>G, p.Glu33Gly (NM_001093772.2, NM_001385284.1, NM_001385285.1 and 4 more transcripts); short protein forms E33G.
Identifiers: ClinVar variation 4730068 (VCV004730068.2).

ClinVar aggregate classification (germline): Conflicting classifications of pathogenicity. Review status: criteria provided, conflicting classifications (1 of 4 stars). 2 submissions from 2 submitters: Uncertain significance (1); Likely benign (1). Last evaluated 2026-04-15.

Conditions:
Gastrointestinal stromal tumor. Also called: Gastrointestinal stromal tumor, somatic; Gastrointestinal stroma tumor. Identifiers: Orphanet 44890, MedGen C0238198, MeSH D046152, MONDO:0011719, OMIM 606764, HP:0100723.
Hereditary cancer-predisposing syndrome. Also called: Tumor predisposition; Hereditary Cancer Syndrome; Neoplastic Syndromes, Hereditary; Hereditary neoplastic syndrome. Identifiers: Orphanet 140162, MedGen C0027672, MeSH D009386, MONDO:0015356.

Submissions (2):

Ambry Genetics
Classification: Likely benign for Hereditary cancer-predisposing syndrome. Last evaluated: 2026-04-15. Review status: criteria provided, single submitter. Criteria: Ambry Variant Classification Scheme 2023. Collection method: clinical testing. Allele origin: germline.

Labcorp Genetics (formerly Invitae), Labcorp
Classification: Uncertain significance for Gastrointestinal stromal tumor. Last evaluated: 2025-10-28. Review status: criteria provided, single submitter. Criteria: Invitae Variant Classification Sherloc (09022015). Collection method: clinical testing. Allele origin: germline.
Comment: This sequence change replaces glutamic acid, which is acidic and polar, with glycine, which is neutral and non-polar, at codon 33 of the KIT protein (p.Glu33Gly). This variant is not present in population databases (gnomAD no frequency). This variant has not been reported in the literature in individuals affected with KIT-related conditions. An algorithm developed to predict the effect of missense changes on protein structure and function outputs the following: PolyPhen-2: "Benign". The glycine amino acid residue is found in multiple mammalian species, which suggests that this missense change does not adversely affect protein function. In summary, the available evidence is currently insufficient to determine the role of this variant in disease. Therefore, it has been classified as a Variant of Uncertain Significance.